The following is an entry in ClinVar:

ClinVar aggregate classification (germline): Uncertain significance (1 of 4 stars; one submission).

Conditions:
Severe combined immunodeficiency due to DNA-PKcs deficiency. Also called: Immunodeficiency 26 with or without neurologic abnormalities; IMMUNODEFICIENCY 26 WITH NEUROLOGIC ABNORMALITIES. Identifiers: Orphanet 317425, MedGen C4014833, MONDO:0014423, OMIM 615966.

Submission:

Labcorp Genetics (formerly Invitae), Labcorp
Classification: Uncertain significance for Severe combined immunodeficiency due to DNA-PKcs deficiency. Last evaluated: 2022-06-13. Review status: criteria provided, single submitter. Criteria: Invitae Variant Classification Sherloc (09022015). Collection method: clinical testing. Allele origin: germline.
Comment: In summary, the available evidence is currently insufficient to determine the role of this variant in disease. Therefore, it has been classified as a Variant of Uncertain Significance. Experimental studies and prediction algorithms are not available or were not evaluated, and the functional significance of this variant is currently unknown. ClinVar contains an entry for this variant (Variation ID: 1004249). This variant has not been reported in the literature in individuals affected with PRKDC-related conditions. This variant is not present in population databases (gnomAD no frequency). This sequence change replaces leucine, which is neutral and non-polar, with valine, which is neutral and non-polar, at codon 2545 of the PRKDC protein (p.Leu2545Val).

NM_006904.7(PRKDC):c.7633T>G (p.Leu2545Val)

Gene: PRKDC (protein kinase, DNA-activated, catalytic subunit; minus strand). Cytogenetic location: 8q11.21.
Variant type: single nucleotide variant.
Coding change: c.7633T>G on transcript NM_006904.7 (MANE Select); coding-DNA position 7633, T replaced by G.
Protein change: p.Leu2545Val; replaces leucine 2545 with valine.
Molecular consequence: missense variant.
Genome position (GRCh38, 1-based): chr8:47,837,340, A>C on the plus strand (T>G on the coding strand, the complement: PRKDC is on the minus strand). VCF-style: chr8-47837340-A-C. GRCh37 (hg19) VCF-style: chr8-48749901-A-C.
Other names: c.7633T>G, p.Leu2545Val (NM_001081640.2); short protein forms L2545V.
Identifiers: ClinVar variation 1004249 (VCV001004249.8), dbSNP rs2088049317, ClinGen allele CA371153093.